The following is an entry in ClinVar:

NM_002633.3(PGM1):c.247-316G>A

Gene: PGM1 (phosphoglucomutase 1; plus strand). Cytogenetic location: 1p31.3.
Variant type: single nucleotide variant.
Coding change: c.247-316G>A on transcript NM_002633.3 (MANE Select); 316 bases into the intron before coding-DNA position 247, G replaced by A.
Molecular consequence: intron variant.
Genome position (GRCh38, 1-based): chr1:63,629,109, G>A. VCF-style: chr1-63629109-G-A. GRCh37 (hg19) VCF-style: chr1-64094780-G-A.
Other names: c.-345-316G>A (NM_001172819.2); c.301-316G>A (NM_001172818.1).
Identifiers: ClinVar variation 671165 (VCV000671165.1), dbSNP rs10489612, ClinGen allele CA10839682.
Genomic context (GRCh38, chr1:63,629,109, plus strand): 5'-ATGATTGAATTGGATAAAAATGTGGGTTTTCTCATATTCTTTCAATGCATCCAAATTGTG[G>A]CCCCGATCTGGAAAGGCTCTTTTTAATATGCTGTGTTTTCATGCTGGAGCCTTACAGTGC-3'

ClinVar aggregate classification (germline): Benign (1 of 4 stars; one submission).

Allele frequency attached by ClinVar (database versions not stated): gnomAD 0.13828 and 0.13886; TOPMed 0.14289; 1000 Genomes Project 0.15415; 1000 Genomes Project 30x 0.15428.
gnomAD v4.1: 20,978 of 152,038 alleles (14%); highest among the groups gnomAD compares: African/African-American, 19%; 1,501 homozygotes.

Submission:

GeneDx
Classification: Benign. Last evaluated: 2018-06-19. Review status: criteria provided, single submitter. Criteria: GeneDx Variant Classification (06012015). Collection method: clinical testing. Allele origin: germline. Affected: yes.
Comment: This variant is considered likely benign or benign based on one or more of the following criteria: it is a conservative change, it occurs at a poorly conserved position in the protein, it is predicted to be benign by multiple in silico algorithms, and/or has population frequency not consistent with disease.